The following is an entry in ClinVar:

NM_003074.4(SMARCC1):c.2492A>G (p.Glu831Gly)

Gene: SMARCC1 (SWI/SNF related BAF chromatin remodeling complex subunit C1; minus strand). Cytogenetic location: 3p21.31.
Variant type: single nucleotide variant.
Coding change: c.2492A>G on transcript NM_003074.4 (MANE Select); coding-DNA position 2492, A replaced by G.
Protein change: p.Glu831Gly; replaces glutamic acid 831 with glycine.
Molecular consequence: missense variant.
Genome position (GRCh38, 1-based): chr3:47,635,344, T>C on the plus strand (A>G on the coding strand, the complement: SMARCC1 is on the minus strand). VCF-style: chr3-47635344-T-C. GRCh37 (hg19) VCF-style: chr3-47676834-T-C.
Other names: short protein forms E831G.
Identifiers: ClinVar variation 5000265 (VCV005000265.1).

ClinVar aggregate classification (germline): Uncertain significance (1 of 4 stars; one submission).

Conditions:
SMARCC1-related disorder. Also called: SMARCC1-related condition.

Submission:

PreventionGenetics, part of Exact Sciences
Classification: Uncertain significance for SMARCC1-related condition. Last evaluated: 2025-04-29. Review status: criteria provided, single submitter. Criteria: ACMG Guidelines, 2015. Collection method: clinical testing. Allele origin: germline.
Comment: The SMARCC1 c.2492A>G variant is predicted to result in the amino acid substitution p.Glu831Gly. To our knowledge, this variant has not been reported in the literature or in a large population database (gnomAD), indicating this variant is rare. At this time, the clinical significance of this variant is uncertain due to the absence of conclusive functional and genetic evidence.